The following is an entry in ClinVar:

NM_006420.3(ARFGEF2):c.710A>G (p.Gln237Arg)

Gene: ARFGEF2 (ARF guanine nucleotide exchange factor 2; plus strand). Cytogenetic location: 20q13.13.
Variant type: single nucleotide variant.
Coding change: c.710A>G on transcript NM_006420.3 (MANE Select); coding-DNA position 710, A replaced by G.
Protein change: p.Gln237Arg; replaces glutamine 237 with arginine.
Molecular consequence: missense variant.
Genome position (GRCh38, 1-based): chr20:48,953,662, A>G. VCF-style: chr20-48953662-A-G. GRCh37 (hg19) VCF-style: chr20-47570199-A-G.
Other names: short protein forms Q237R.
Identifiers: ClinVar variation 1312024 (VCV001312024.2), dbSNP rs2091086629, ClinGen allele CA409320682.

ClinVar aggregate classification (germline): Uncertain significance (1 of 4 stars; one submission).

Allele frequency attached by ClinVar (database versions not stated): gnomAD exomes below 0.00001.
gnomAD v4.1: 4 of 1,614,234 alleles (0.00025%); highest among the groups gnomAD compares: Non-Finnish European, 0.00025%; no homozygotes.

Submission:

GeneDx
Classification: Uncertain significance. Last evaluated: 2020-02-03. Review status: criteria provided, single submitter. Criteria: GeneDx Variant Classification Process June 2021. Collection method: clinical testing. Allele origin: germline. Affected: yes.
Comment: Not observed in large population cohorts (Lek et al., 2016); In silico analysis supports that this missense variant does not alter protein structure/function; Has not been previously published as pathogenic or benign to our knowledge